The following is an entry in ClinVar:

NM_005006.7(NDUFS1):c.1772A>G (p.Glu591Gly)

Gene: NDUFS1 (NADH:ubiquinone oxidoreductase core subunit S1; minus strand). Cytogenetic location: 2q33.3.
Variant type: single nucleotide variant.
Coding change: c.1772A>G on transcript NM_005006.7 (MANE Select); coding-DNA position 1772, A replaced by G.
Protein change: p.Glu591Gly; replaces glutamic acid 591 with glycine.
Molecular consequence: missense variant.
Genome position (GRCh38, 1-based): chr2:206,127,909, T>C on the plus strand (A>G on the coding strand, the complement: NDUFS1 is on the minus strand). VCF-style: chr2-206127909-T-C. GRCh37 (hg19) VCF-style: chr2-206992633-T-C.
Other names: c.1664A>G, p.Glu555Gly (NM_001199981.2); c.1439A>G, p.Glu480Gly (NM_001199982.2); c.1601A>G, p.Glu534Gly (NM_001199983.2); c.1814A>G, p.Glu605Gly (NM_001199984.2); short protein forms E591G, E480G, E555G, E605G, E534G.
Identifiers: ClinVar variation 1443646 (VCV001443646.8), dbSNP rs954779442, ClinGen allele CA63648701.
Genomic context (GRCh38, chr2:206,127,909, plus strand): 5'-GTCACTGCTACCTTAGTCTGCTGAGCTCTACCCTCAGTGTTGACATATGTAGCAGACTTC[T>C]CTGTGTAAGCAGCTCCTGGGAGAATAACATCAGCTATGGGAGCCCCAACATCACCATGAT-3'
Protein context (NP_004997.4, residues 581-601): DVILPGAAYT[Glu591Gly]KSATYVNTEG

ClinVar aggregate classification (germline): Conflicting classifications of pathogenicity. Review status: criteria provided, conflicting classifications (1 of 4 stars). 2 submissions from 2 submitters: Likely pathogenic (1); Uncertain significance (1). Last evaluated 2026-04-23.

Conditions:
Mitochondrial complex I deficiency, nuclear type 5. Also called: Mitochondrial complex 1 deficiency, nuclear type 5. Identifiers: MedGen C4748754, MONDO:0032610, OMIM 618226.

Allele frequency attached by ClinVar (database versions not stated): gnomAD exomes below 0.00001 and 0.00002; TOPMed 0.00001.
gnomAD v4.1: 24 of 1,614,194 alleles (0.0015%); highest among the groups gnomAD compares: Middle Eastern, 0.066%; no homozygotes.

Submissions (2):

Neurogenetics Laboratory, American University of Beirut
Classification: Likely pathogenic for Mitochondrial complex I deficiency, nuclear type 5. Last evaluated: 2026-04-23. Review status: criteria provided, single submitter. Criteria: ACMG Guidelines, 2015. Collection method: clinical testing. Allele origin: maternal, paternal. Affected: yes. Observed: 2 variant alleles, 2 compound heterozygotes. Clinical features observed: Sensory axonal neuropathy, Motor axonal neuropathy, Limb muscle weakness.
Comment: The NM_005006.7:c.1772A>G (p.Glu591Gly) is a missense variant. The variant has an extremely low frequency in gnomAD databases. Affected amino acid is highly conserved among species and in silico tools predicted the variant to be damaging. The variant is classified as likely pathogenic (PM2+PM3+PP2+PP3).

Labcorp Genetics (formerly Invitae), Labcorp
Classification: Uncertain significance. Last evaluated: 2026-01-12. Review status: criteria provided, single submitter. Criteria: Invitae Variant Classification Sherloc (09022015). Collection method: clinical testing. Allele origin: germline.
Comment: This sequence change replaces glutamic acid, which is acidic and polar, with glycine, which is neutral and non-polar, at codon 591 of the NDUFS1 protein (p.Glu591Gly). This variant is present in population databases (no rsID available, gnomAD 0.0009%). This variant has not been reported in the literature in individuals affected with NDUFS1-related conditions. ClinVar contains an entry for this variant (Variation ID: 1443646). Invitae Evidence Modeling of protein sequence and biophysical properties (such as structural, functional, and spatial information, amino acid conservation, physicochemical variation, residue mobility, and thermodynamic stability) indicates that this missense variant is expected to disrupt NDUFS1 protein function with a positive predictive value of 95%. In summary, the available evidence is currently insufficient to determine the role of this variant in disease. Therefore, it has been classified as a Variant of Uncertain Significance.